The following is an entry in ClinVar:

ClinVar aggregate classification (germline): Uncertain significance (1 of 4 stars; one submission).

Conditions:
Dextro-looped transposition of the great arteries. Also called: Dextrotransposition of the great arteries. Identifiers: Orphanet 860, MedGen C3531771, MONDO:0019443, OMIM 608808, HP:0031348.

Submission:

Labcorp Genetics (formerly Invitae), Labcorp
Classification: Uncertain significance for Dextro-looped transposition of the great arteries. Last evaluated: 2025-02-15. Review status: criteria provided, single submitter. Criteria: Invitae Variant Classification Sherloc (09022015). Collection method: clinical testing. Allele origin: germline.
Comment: This sequence change replaces valine, which is neutral and non-polar, with phenylalanine, which is neutral and non-polar, at codon 903 of the MED13L protein (p.Val903Phe). This variant is not present in population databases (gnomAD no frequency). This variant has not been reported in the literature in individuals affected with MED13L-related conditions. Invitae Evidence Modeling of protein sequence and biophysical properties (such as structural, functional, and spatial information, amino acid conservation, physicochemical variation, residue mobility, and thermodynamic stability) indicates that this missense variant is not expected to disrupt MED13L protein function with a negative predictive value of 95%. In summary, the available evidence is currently insufficient to determine the role of this variant in disease. Therefore, it has been classified as a Variant of Uncertain Significance.

NM_015335.5(MED13L):c.2707G>T (p.Val903Phe)

Gene: MED13L (mediator complex subunit 13L; minus strand). Cytogenetic location: 12q24.21.
Variant type: single nucleotide variant.
Coding change: c.2707G>T on transcript NM_015335.5 (MANE Select); coding-DNA position 2707, G replaced by T.
Protein change: p.Val903Phe; replaces valine 903 with phenylalanine.
Molecular consequence: missense variant.
Genome position (GRCh38, 1-based): chr12:115,997,093, C>A on the plus strand (G>T on the coding strand, the complement: MED13L is on the minus strand). VCF-style: chr12-115997093-C-A. GRCh37 (hg19) VCF-style: chr12-116434898-C-A.
Other names: short protein forms V903F.
Identifiers: ClinVar variation 3637675 (VCV003637675.2).